The following is an entry in ClinVar:

ClinVar aggregate classification (germline): Uncertain significance (1 of 4 stars; one submission).

Conditions:
RASopathy. Also called: rasopathies; Noonan spectrum disorder. Identifiers: Orphanet 536391, MedGen C5555857, MONDO:0021060.

Allele frequency attached by ClinVar (database versions not stated): gnomAD 0.00001.
gnomAD v4.1: 1 of 1,611,362 alleles (0.000062%); highest among the groups gnomAD compares: African/African-American, 0.0013%; no homozygotes.

Submission:

Labcorp Genetics (formerly Invitae), Labcorp
Classification: Uncertain significance for RASopathy. Last evaluated: 2022-10-13. Review status: criteria provided, single submitter. Criteria: Invitae Variant Classification Sherloc (09022015). Collection method: clinical testing. Allele origin: germline.
Comment: In summary, the available evidence is currently insufficient to determine the role of this variant in disease. Therefore, it has been classified as a Variant of Uncertain Significance. Algorithms developed to predict the effect of missense changes on protein structure and function (SIFT, PolyPhen-2, Align-GVGD) all suggest that this variant is likely to be tolerated. This variant has not been reported in the literature in individuals affected with SOS1-related conditions. This variant is not present in population databases (gnomAD no frequency). This sequence change replaces glutamic acid, which is acidic and polar, with glutamine, which is neutral and polar, at codon 365 of the SOS1 protein (p.Glu365Gln).

NM_005633.4(SOS1):c.1093G>C (p.Glu365Gln)

Gene: SOS1 (SOS Ras/Rac guanine nucleotide exchange factor 1; minus strand). Cytogenetic location: 2p22.1.
Variant type: single nucleotide variant.
Coding change: c.1093G>C on transcript NM_005633.4 (MANE Select); coding-DNA position 1093, G replaced by C.
Protein change: p.Glu365Gln; replaces glutamic acid 365 with glutamine.
Molecular consequence: missense variant.
Genome position (GRCh38, 1-based): chr2:39,024,119, C>G on the plus strand (G>C on the coding strand, the complement: SOS1 is on the minus strand). VCF-style: chr2-39024119-C-G. GRCh37 (hg19) VCF-style: chr2-39251260-C-G.
Other names: c.1072G>C, p.Glu358Gln (NM_001382394.1); c.1093G>C, p.Glu365Gln (NM_001382395.1); short protein forms E358Q, E365Q.
Identifiers: ClinVar variation 2118689 (VCV002118689.4), dbSNP rs1669882332, ClinGen allele CA346366993.